The following is an entry in ClinVar:

ClinVar aggregate classification (germline): Uncertain significance. Review status: criteria provided, multiple submitters, no conflicts (2 of 4 stars). 2 submissions from 2 submitters: Uncertain significance (2). Last evaluated 2025-09-03.

Conditions:
Brugada syndrome 4 (BRGDA4). Identifiers: Orphanet 130, MedGen C2678477, MONDO:0012743, OMIM 611876.

Allele frequency attached by ClinVar (database versions not stated): ExAC 0.00001; gnomAD exomes 0.00001; TOPMed 0.00002; gnomAD 0.00003 and 0.00004; ESP Exome Variant Server 0.00008.
gnomAD v4.1: 23 of 1,613,414 alleles (0.0014%); highest among the groups gnomAD compares: Non-Finnish European, 0.0016%; no homozygotes.

Submissions (2):

Labcorp Genetics (formerly Invitae), Labcorp
Classification: Uncertain significance for Brugada syndrome 4. Last evaluated: 2025-09-03. Review status: criteria provided, single submitter. Criteria: Invitae Variant Classification Sherloc (09022015). Collection method: clinical testing. Allele origin: germline.
Comment: This sequence change replaces alanine, which is neutral and non-polar, with threonine, which is neutral and polar, at codon 336 of the CACNB2 protein (p.Ala336Thr). This variant is present in population databases (rs370564617, gnomAD 0.002%). This variant has not been reported in the literature in individuals affected with CACNB2-related conditions. ClinVar contains an entry for this variant (Variation ID: 806445). Invitae Evidence Modeling of protein sequence and biophysical properties (such as structural, functional, and spatial information, amino acid conservation, physicochemical variation, residue mobility, and thermodynamic stability) indicates that this missense variant is expected to disrupt CACNB2 protein function with a positive predictive value of 80%. In summary, the available evidence is currently insufficient to determine the role of this variant in disease. Therefore, it has been classified as a Variant of Uncertain Significance.

AiLife Diagnostics
Classification: Uncertain significance. Last evaluated: 2021-09-17. Review status: criteria provided, single submitter. Criteria: ACMG Guidelines, 2015. Collection method: clinical testing. Allele origin: germline. Affected: yes. Observed: 1 variant allele.

NM_201596.3(CACNB2):c.1168G>A (p.Ala390Thr)

Gene: CACNB2 (calcium voltage-gated channel auxiliary subunit beta 2; plus strand). Cytogenetic location: 10p12.31.
Variant type: single nucleotide variant.
Coding change: c.1168G>A on transcript NM_201596.3 (MANE Select); coding-DNA position 1168, G replaced by A.
Protein change: p.Ala390Thr; replaces alanine 390 with threonine.
Molecular consequence: missense variant.
Genome position (GRCh38, 1-based): chr10:18,534,189, G>A. VCF-style: chr10-18534189-G-A. GRCh37 (hg19) VCF-style: chr10-18823118-G-A.
Other names: c.1003G>A, p.Ala335Thr (NM_000724.4); c.970G>A, p.Ala324Thr (NM_001167945.2); c.889G>A, p.Ala297Thr (NM_001330060.2); c.1024G>A, p.Ala342Thr (NM_201570.3); c.1084G>A, p.Ala362Thr (NM_201571.4); c.1012G>A, p.Ala338Thr (NM_201572.4); c.1006G>A, p.Ala336Thr (NM_201590.3); c.1054G>A, p.Ala352Thr (NM_201593.3); and 1 more; short protein forms A297T, A338T, A366T, A342T, A362T, A324T, A335T, A336T.
Identifiers: ClinVar variation 806445 (VCV000806445.17), dbSNP rs370564617, ClinGen allele CA5429924.